The following is an entry in ClinVar:

ClinVar aggregate classification (germline): Conflicting classifications of pathogenicity. Review status: criteria provided, conflicting classifications (1 of 4 stars). 2 submissions from 2 submitters: Uncertain significance (1); Likely benign (1). Last evaluated 2024-12-30.

Conditions:
Cardiomyopathy (CMYO). Also called: Cardiomyopathies. Identifiers: Orphanet 167848, MedGen C0878544, MONDO:0004994, HP:0001638. Inheritance: Various modes of inheritance.
Lethal congenital glycogen storage disease of heart. Also called: GLYCOGEN STORAGE DISEASE OF HEART; PHOSPHORYLASE KINASE DEFICIENCY OF HEART. Identifiers: Orphanet 439854, MedGen C1849813, MONDO:0009867, OMIM 261740.

Allele frequency attached by ClinVar (database versions not stated): gnomAD exomes below 0.00001; TOPMed below 0.00001.
gnomAD v4.1: 1 of 1,613,976 alleles (0.000062%); highest among the groups gnomAD compares: South Asian, 0.0011%; no homozygotes.

Submissions (2):

Labcorp Genetics (formerly Invitae), Labcorp
Classification: Uncertain significance for Lethal congenital glycogen storage disease of heart. Last evaluated: 2024-12-30. Review status: criteria provided, single submitter. Criteria: Invitae Variant Classification Sherloc (09022015). Collection method: clinical testing. Allele origin: germline.
Comment: This sequence change falls in intron 14 of the PRKAG2 gene. It does not directly change the encoded amino acid sequence of the PRKAG2 protein. It affects a nucleotide within the consensus splice site. This variant is not present in population databases (gnomAD no frequency). This variant has not been reported in the literature in individuals affected with PRKAG2-related conditions. ClinVar contains an entry for this variant (Variation ID: 920271). Variants that disrupt the consensus splice site are a relatively common cause of aberrant splicing (PMID: 17576681, 9536098). Algorithms developed to predict the effect of sequence changes on RNA splicing suggest that this variant is not likely to affect RNA splicing. In summary, the available evidence is currently insufficient to determine the role of this variant in disease. Therefore, it has been classified as a Variant of Uncertain Significance.

Color Diagnostics, LLC DBA Color Health
Classification: Likely benign for Cardiomyopathy. Last evaluated: 2019-02-16. Review status: criteria provided, single submitter. Criteria: ACMG Guidelines, 2015. Collection method: clinical testing. Allele origin: germline.

Literature cited by the submitters: PubMed 17576681 (cited by Labcorp Genetics (formerly Invitae), Labcorp); PubMed 9536098 (cited by Labcorp Genetics (formerly Invitae), Labcorp).

NM_016203.4(PRKAG2):c.1585-3C>T

Gene: PRKAG2 (protein kinase AMP-activated non-catalytic subunit gamma 2; minus strand). Cytogenetic location: 7q36.1.
Variant type: single nucleotide variant.
Coding change: c.1585-3C>T on transcript NM_016203.4 (MANE Select); 3 bases into the intron before coding-DNA position 1585, C replaced by T.
Molecular consequence: intron variant.
Genome position (GRCh38, 1-based): chr7:151,560,620, G>A on the plus strand (C>T on the coding strand, the complement: PRKAG2 is on the minus strand). VCF-style: chr7-151560620-G-A. GRCh37 (hg19) VCF-style: chr7-151257706-G-A.
Other names: c.1453-3C>T (NM_001040633.2); c.1210-3C>T (NM_001304527.2); c.1213-3C>T (NM_001363698.2); c.862-3C>T (NM_001304531.2, NM_024429.2).
Identifiers: ClinVar variation 920271 (VCV000920271.4), dbSNP rs1804723787, ClinGen allele CA913188223.
Genomic context (GRCh38, chr7:151,560,620, plus strand): 5'-ACAGGGAAATAATACCCACAATACTATCTGCTTCATTTACCACCACCAGCCGATGGACCT[G>A]CAAAGAGAAAAGCAGGACACGTGAAAATTAACATTTAAAAAAGGTTTAAAATGGACATGA-3'